The following is an entry in ClinVar:

ClinVar aggregate classification (germline): Uncertain significance. Review status: criteria provided, multiple submitters, no conflicts (2 of 4 stars). 2 submissions from 2 submitters: Uncertain significance (2). Last evaluated 2024-09-09.

Submissions (2):

Labcorp Genetics (formerly Invitae), Labcorp
Classification: Uncertain significance. Last evaluated: 2024-09-09. Review status: criteria provided, single submitter. Criteria: Invitae Variant Classification Sherloc (09022015). Collection method: clinical testing. Allele origin: germline.
Comment: This sequence change replaces glycine, which is neutral and non-polar, with arginine, which is basic and polar, at codon 335 of the NR2E3 protein (p.Gly335Arg). This variant is present in population databases (rs759629930, gnomAD 0.002%). This variant has not been reported in the literature in individuals affected with NR2E3-related conditions. Invitae Evidence Modeling of protein sequence and biophysical properties (such as structural, functional, and spatial information, amino acid conservation, physicochemical variation, residue mobility, and thermodynamic stability) indicates that this missense variant is not expected to disrupt NR2E3 protein function with a negative predictive value of 80%. In summary, the available evidence is currently insufficient to determine the role of this variant in disease. Therefore, it has been classified as a Variant of Uncertain Significance.

Blueprint Genetics
Classification: Uncertain significance. Last evaluated: 2024-08-15. Review status: criteria provided, single submitter. Criteria: ACMG Guidelines, 2015. Collection method: clinical testing. Allele origin: germline.

NM_014249.4(NR2E3):c.1003G>C (p.Gly335Arg)

Gene: NR2E3 (nuclear receptor subfamily 2 group E member 3; plus strand). Cytogenetic location: 15q23.
Variant type: single nucleotide variant.
Coding change: c.1003G>C on transcript NM_014249.4 (MANE Select); coding-DNA position 1003, G replaced by C.
Protein change: p.Gly335Arg; replaces glycine 335 with arginine.
Molecular consequence: missense variant.
Genome position (GRCh38, 1-based): chr15:71,814,020, G>C. VCF-style: chr15-71814020-G-C. GRCh37 (hg19) VCF-style: chr15-72106361-G-C.
Other names: c.1003G>C, p.Gly335Arg (NM_016346.4); short protein forms G335R.
Identifiers: ClinVar variation 3606645 (VCV003606645.3).